The following is an entry in ClinVar:

NM_001114753.3(ENG):c.966T>G (p.Ile322Met)

Gene: ENG (endoglin; minus strand). Cytogenetic location: 9q34.11.
Variant type: single nucleotide variant.
Coding change: c.966T>G on transcript NM_001114753.3 (MANE Select); coding-DNA position 966, T replaced by G.
Protein change: p.Ile322Met; replaces isoleucine 322 with methionine.
Molecular consequence: missense variant.
Genome position (GRCh38, 1-based): chr9:127,824,825, A>C on the plus strand (T>G on the coding strand, the complement: ENG is on the minus strand). VCF-style: chr9-127824825-A-C. GRCh37 (hg19) VCF-style: chr9-130587104-A-C.
Other names: c.966T>G, p.Ile322Met (NM_000118.4, NM_001406715.1); c.420T>G, p.Ile140Met (NM_001278138.2); short protein forms I322M, I140M.
Identifiers: ClinVar variation 1942920 (VCV001942920.5), dbSNP rs942465585, ClinGen allele CA200313014.

ClinVar aggregate classification (germline): Uncertain significance (1 of 4 stars; one submission).

Conditions:
Hereditary hemorrhagic telangiectasia (HHT). Also called: ORW DISEASE; Osler Weber Rendu syndrome; OSLER-RENDU-WEBER DISEASE; Osler hemorrhagic telangiectasia syndrome. Identifiers: Orphanet 774, MedGen C0039445, MONDO:0019180. Disease mechanism: loss of function.

Allele frequency attached by ClinVar (database versions not stated): gnomAD exomes below 0.00001.
gnomAD v4.1: 2 of 1,583,960 alleles (0.00013%); highest among the groups gnomAD compares: Non-Finnish European, 0.00017%; no homozygotes.

Submission:

Labcorp Genetics (formerly Invitae), Labcorp
Classification: Uncertain significance for Hereditary hemorrhagic telangiectasia. Last evaluated: 2022-02-28. Review status: criteria provided, single submitter. Criteria: Invitae Variant Classification Sherloc (09022015). Collection method: clinical testing. Allele origin: germline.
Comment: This sequence change replaces isoleucine, which is neutral and non-polar, with methionine, which is neutral and non-polar, at codon 322 of the ENG protein (p.Ile322Met). This variant is not present in population databases (gnomAD no frequency). This variant has not been reported in the literature in individuals affected with ENG-related conditions. Advanced modeling of protein sequence and biophysical properties (such as structural, functional, and spatial information, amino acid conservation, physicochemical variation, residue mobility, and thermodynamic stability) performed at Invitae indicates that this missense variant is not expected to disrupt ENG protein function. In summary, the available evidence is currently insufficient to determine the role of this variant in disease. Therefore, it has been classified as a Variant of Uncertain Significance.